The following is an entry in ClinVar:

ClinVar aggregate classification (germline): Conflicting classifications of pathogenicity. Review status: criteria provided, conflicting classifications (1 of 4 stars). 3 submissions from 3 submitters: Likely pathogenic (2); Uncertain significance (1). Last evaluated 2025-06-10.

Conditions:
Hereditary cancer-predisposing syndrome. Also called: Neoplastic Syndromes, Hereditary; Hereditary neoplastic syndrome; Tumor predisposition; Hereditary Cancer Syndrome. Identifiers: Orphanet 140162, MedGen C0027672, MeSH D009386, MONDO:0015356.
Ataxia-telangiectasia syndrome (AT). Also called: Ataxia-telangiectasia, complementation group D; AT, COMPLEMENTATION GROUP C; Ataxia telangiectasia (A-T); Cerebello-oculocutaneous telangiectasia; Immunodeficiency with ataxia telangiectasia; Ataxia-telangiectasia. Identifiers: Orphanet 100, MedGen C0004135, MONDO:0008840, OMIM 208900.
Familial cancer of breast. Also called: hereditary breast carcinoma; BREAST CANCER, FAMILIAL; Hereditary breast cancer. Identifiers: Orphanet 227535, MedGen C0346153, MONDO:0016419, OMIM 114480. Disease mechanism: loss of function.

Submissions (3):

Ambry Genetics
Classification: Likely pathogenic for Hereditary cancer-predisposing syndrome. Last evaluated: 2025-06-10. Review status: criteria provided, single submitter. Criteria: Ambry Variant Classification Scheme 2023. Collection method: clinical testing. Allele origin: germline.
Comment: The c.3078-5T>C intronic variant results from a T to C substitution 5 nucleotides upstream from coding exon 20 in the ATM gene. This nucleotide position is well conserved in available vertebrate species. In silico splice site analysis predicts that this alteration will weaken the native splice acceptor site. RNA studies have demonstrated that this alteration results in abnormal splicing in the set of samples tested (Ambry internal data). This variant is considered to be rare based on population cohorts in the Genome Aggregation Database (gnomAD). Based on the majority of available evidence to date, this variant is likely to be pathogenic.

Myriad Genetics, Inc.
Classification: Likely pathogenic for Familial cancer of breast. Last evaluated: 2024-09-16. Review status: criteria provided, single submitter. Criteria: Myriad Autosomal Dominant, Autosomal Recessive and X-Linked Classification Criteria (2023). Collection method: clinical testing. Allele origin: unknown.
Comment: This variant is considered likely pathogenic. mRNA analysis has demonstrated abnormal mRNA splicing occurs [Myriad internal data].

Labcorp Genetics (formerly Invitae), Labcorp
Classification: Uncertain significance for Ataxia-telangiectasia syndrome. Last evaluated: 2024-04-10. Review status: criteria provided, single submitter. Criteria: Invitae Variant Classification Sherloc (09022015). Collection method: clinical testing. Allele origin: germline.
Comment: This sequence change falls in intron 20 of the ATM gene. It does not directly change the encoded amino acid sequence of the ATM protein. This variant is not present in population databases (gnomAD no frequency). This variant has not been reported in the literature in individuals affected with ATM-related conditions. ClinVar contains an entry for this variant (Variation ID: 840977). Algorithms developed to predict the effect of sequence changes on RNA splicing suggest that this variant may disrupt the consensus splice site. In summary, the available evidence is currently insufficient to determine the role of this variant in disease. Therefore, it has been classified as a Variant of Uncertain Significance.

NM_000051.4(ATM):c.3078-5T>C

Gene: ATM (ATM serine/threonine kinase; plus strand). Cytogenetic location: 11q22.3.
Variant type: single nucleotide variant.
Coding change: c.3078-5T>C on transcript NM_000051.4 (MANE Select); 5 bases into the intron before coding-DNA position 3078, T replaced by C.
Molecular consequence: intron variant.
Genome position (GRCh38, 1-based): chr11:108,272,527, T>C. VCF-style: chr11-108272527-T-C. GRCh37 (hg19) VCF-style: chr11-108143254-T-C.
Other names: c.3078-5T>C (NM_001351834.2).
Identifiers: ClinVar variation 840977 (VCV000840977.15), dbSNP rs1565427457, ClinGen allele CA916079946.